The following is an entry in ClinVar:

ClinVar aggregate classification (germline): Uncertain significance. Review status: criteria provided, single submitter (1 of 4 stars). 2 submissions from 2 submitters: Uncertain significance (1). 1 of the submissions does not count toward it. Last evaluated 2018-01-13.

Conditions:
Familial cancer of breast. Also called: BREAST CANCER, FAMILIAL; Hereditary breast cancer; hereditary breast carcinoma. Identifiers: Orphanet 227535, MedGen C0346153, MONDO:0016419, OMIM 114480. Disease mechanism: loss of function.
Fanconi anemia complementation group N. Also called: PALB2-Related Fanconi Anemia. Identifiers: Orphanet 84, MedGen C1835817, MONDO:0012565, OMIM 610832. Disease mechanism: loss of function.

Allele frequency attached by ClinVar (database versions not stated): gnomAD exomes 0.00014; 1000 Genomes Project 30x 0.00109; 1000 Genomes Project 0.00120; gnomAD 0.00125 and 0.00141; TOPMed 0.00146.
gnomAD v4.1: 238 of 503,044 alleles (0.047%); highest among the groups gnomAD compares: African/African-American, 0.43%; no homozygotes.

Submissions (2):

Illumina Laboratory Services, Illumina
Classification: Uncertain significance for Fanconi anemia complementation group N. Last evaluated: 2018-01-13. Review status: criteria provided, single submitter. Criteria: ICSL Variant Classification Criteria 13 December 2019. Collection method: clinical testing. Allele origin: germline.

Leiden Open Variation Database
Classification: Likely benign for Familial cancer of breast. Last evaluated: 2019-05-13. Review status: no assertion criteria provided. Collection method: curation. Allele origin: germline. Affected: yes. Not counted in ClinVar's aggregate classification.
Comment: Curators: Marc Tischkowitz, Arleen D. Auerbach. Submitter to LOVD: Marc Tischkowitz.

Literature cited by the submitters: PubMed 21932393 (cited by Leiden Open Variation Database).

NM_024675.4(PALB2):c.*232G>T

Gene: PALB2 (partner and localizer of BRCA2; minus strand). Cytogenetic location: 16p12.2.
Variant type: single nucleotide variant.
Coding change: c.*232G>T on transcript NM_024675.4 (MANE Select); 232 bases downstream of the stop codon, G replaced by T.
Molecular consequence: 3 prime UTR variant.
Genome position (GRCh38, 1-based): chr16:23,603,227, C>A on the plus strand (G>T on the coding strand, the complement: PALB2 is on the minus strand). VCF-style: chr16-23603227-C-A. GRCh37 (hg19) VCF-style: chr16-23614548-C-A.
Identifiers: ClinVar variation 126567 (VCV000126567.7), dbSNP rs180748355, ClinGen allele CA269463.